The following is an entry in ClinVar:

NM_001875.5(CPS1):c.2573T>C (p.Ile858Thr)

Gene: CPS1 (carbamoyl-phosphate synthase 1; plus strand). Cytogenetic location: 2q34.
Variant type: single nucleotide variant.
Coding change: c.2573T>C on transcript NM_001875.5 (MANE Select); coding-DNA position 2573, T replaced by C.
Protein change: p.Ile858Thr; replaces isoleucine 858 with threonine.
Molecular consequence: missense variant. On other transcripts: non-coding transcript variant (2).
Genome position (GRCh38, 1-based): chr2:210,616,427, T>C. VCF-style: chr2-210616427-T-C. GRCh37 (hg19) VCF-style: chr2-211481151-T-C.
Other names: c.2573T>C, p.Ile858Thr (NM_001122633.3, NM_001369257.1); c.2606T>C, p.Ile869Thr (NM_001369256.1); short protein forms I858T, I869T.
Identifiers: ClinVar variation 1947108 (VCV001947108.5), dbSNP rs1699306931, ClinGen allele CA350441405.

ClinVar aggregate classification (germline): Uncertain significance (1 of 4 stars; one submission).

Conditions:
Congenital hyperammonemia, type I. Also called: Carbamoyl-phosphate synthase I deficiency; CPS I DEFICIENCY; Carbamoyl phosphate synthetase I deficiency disease; Carbamoyl phosphate synthetase 1 deficiency; Hyperammonemia due to carbamoyl phosphate synthetase 1 deficiency; CPS 1 deficiency. Identifiers: Orphanet 147, MedGen C4082171, MONDO:0009376, OMIM 237300.

Allele frequency attached by ClinVar (database versions not stated): gnomAD exomes below 0.00001; TOPMed below 0.00001; gnomAD 0.00001.
gnomAD v4.1: 2 of 1,607,418 alleles (0.00012%); highest among the groups gnomAD compares: South Asian, 0.0011%; no homozygotes.

Submission:

Labcorp Genetics (formerly Invitae), Labcorp
Classification: Uncertain significance for Congenital hyperammonemia, type I. Last evaluated: 2024-09-05. Review status: criteria provided, single submitter. Criteria: Invitae Variant Classification Sherloc (09022015). Collection method: clinical testing. Allele origin: germline.
Comment: This sequence change replaces isoleucine, which is neutral and non-polar, with threonine, which is neutral and polar, at codon 858 of the CPS1 protein (p.Ile858Thr). This variant is not present in population databases (gnomAD no frequency). This variant has not been reported in the literature in individuals affected with CPS1-related conditions. ClinVar contains an entry for this variant (Variation ID: 1947108). Invitae Evidence Modeling of protein sequence and biophysical properties (such as structural, functional, and spatial information, amino acid conservation, physicochemical variation, residue mobility, and thermodynamic stability) indicates that this missense variant is not expected to disrupt CPS1 protein function with a negative predictive value of 95%. In summary, the available evidence is currently insufficient to determine the role of this variant in disease. Therefore, it has been classified as a Variant of Uncertain Significance.